The following is an entry in ClinVar:

ClinVar aggregate classification (germline): Uncertain significance (1 of 4 stars; one submission).

Submission:

Labcorp Genetics (formerly Invitae), Labcorp
Classification: Uncertain significance. Last evaluated: 2025-05-28. Review status: criteria provided, single submitter. Criteria: Invitae Variant Classification Sherloc (09022015). Collection method: clinical testing. Allele origin: germline.
Comment: This sequence change falls in intron 7 of the POLR1A gene. It does not directly change the encoded amino acid sequence of the POLR1A protein. It affects a nucleotide within the consensus splice site. This variant is not present in population databases (gnomAD no frequency). This variant has not been reported in the literature in individuals affected with POLR1A-related conditions. Variants that disrupt the consensus splice site are a relatively common cause of aberrant splicing (PMID: 17576681, 9536098). Algorithms developed to predict the effect of sequence changes on RNA splicing suggest that this variant may disrupt the consensus splice site. In summary, the available evidence is currently insufficient to determine the role of this variant in disease. Therefore, it has been classified as a Variant of Uncertain Significance.

Literature cited by the submitters: PubMed 17576681; PubMed 9536098.

NM_015425.6(POLR1A):c.817+6G>C

Gene: POLR1A (RNA polymerase I subunit A; minus strand). Cytogenetic location: 2p11.2.
Variant type: single nucleotide variant.
Coding change: c.817+6G>C on transcript NM_015425.6 (MANE Select); 6 bases into the intron after coding-DNA position 817, G replaced by C.
Molecular consequence: intron variant.
Genome position (GRCh38, 1-based): chr2:86,083,076, C>G on the plus strand (G>C on the coding strand, the complement: POLR1A is on the minus strand). VCF-style: chr2-86083076-C-G. GRCh37 (hg19) VCF-style: chr2-86310199-C-G.
Identifiers: ClinVar variation 4720406 (VCV004720406.1).